The following is an entry in ClinVar:

ClinVar aggregate classification (germline): Uncertain significance. Review status: criteria provided, multiple submitters, no conflicts (2 of 4 stars). 2 submissions from 2 submitters: Uncertain significance (2). Last evaluated 2023-07-28.

Submissions (2):

Women's Health and Genetics/Laboratory Corporation of America, LabCorp
Classification: Uncertain significance. Last evaluated: 2023-07-28. Review status: criteria provided, single submitter. Criteria: LabCorp Variant Classification Summary - May 2015. Collection method: clinical testing. Allele origin: germline.
Comment: Variant summary: NTRK2 c.208G>A (p.Glu70Lys) results in a conservative amino acid change in the encoded protein sequence. Three of five in-silico tools predict a benign effect of the variant on protein function. The variant was absent in 241316 control chromosomes (gnomAD). The available data on variant occurrences in the general population are insufficient to allow any conclusion about variant significance. To our knowledge, no occurrence of c.208G>A in individuals affected with Developmental And Epileptic Encephalopathy, 58 and no experimental evidence demonstrating its impact on protein function have been reported. No submitters have cited clinical-significance assessments for this variant to ClinVar after 2014. Based on the evidence outlined above, the variant was classified as uncertain significance.

Labcorp Genetics (formerly Invitae), Labcorp
Classification: Uncertain significance. Last evaluated: 2023-06-16. Review status: criteria provided, single submitter. Criteria: Invitae Variant Classification Sherloc (09022015). Collection method: clinical testing. Allele origin: germline.
Comment: In summary, the available evidence is currently insufficient to determine the role of this variant in disease. Therefore, it has been classified as a Variant of Uncertain Significance. This sequence change replaces glutamic acid, which is acidic and polar, with lysine, which is basic and polar, at codon 70 of the NTRK2 protein (p.Glu70Lys). This variant is not present in population databases (gnomAD no frequency). This variant has not been reported in the literature in individuals affected with NTRK2-related conditions. Advanced modeling of protein sequence and biophysical properties (such as structural, functional, and spatial information, amino acid conservation, physicochemical variation, residue mobility, and thermodynamic stability) performed at Invitae indicates that this missense variant is not expected to disrupt NTRK2 protein function.

NM_006180.6(NTRK2):c.208G>A (p.Glu70Lys)

Gene: NTRK2 (neurotrophic receptor tyrosine kinase 2; plus strand). Cytogenetic location: 9q21.33.
Variant type: single nucleotide variant.
Coding change: c.208G>A on transcript NM_006180.6 (MANE Select); coding-DNA position 208, G replaced by A.
Protein change: p.Glu70Lys; replaces glutamic acid 70 with lysine.
Molecular consequence: missense variant.
Genome position (GRCh38, 1-based): chr9:84,670,956, G>A. VCF-style: chr9-84670956-G-A. GRCh37 (hg19) VCF-style: chr9-87285871-G-A.
Other names: c.208G>A, p.Glu70Lys (NM_001007097.3, NM_001018064.3, NM_001018065.2 and 19 more transcripts); short protein forms E70K.
Identifiers: ClinVar variation 2577069 (VCV002577069.4), dbSNP rs1408094711, ClinGen allele CA374004964.